The following is an entry in ClinVar:

NM_021930.6(RINT1):c.592G>C (p.Asp198His)

Gene: RINT1 (RAD50 interactor 1; plus strand). Cytogenetic location: 7q22.3.
Variant type: single nucleotide variant.
Coding change: c.592G>C on transcript NM_021930.6 (MANE Select); coding-DNA position 592, G replaced by C.
Protein change: p.Asp198His; replaces aspartic acid 198 with histidine.
Molecular consequence: missense variant. On other transcripts: 5 prime UTR variant (2), non-coding transcript variant (1), intron variant (1).
Genome position (GRCh38, 1-based): chr7:105,546,986, G>C. VCF-style: chr7-105546986-G-C. GRCh37 (hg19) VCF-style: chr7-105187433-G-C.
Other names: c.358G>C, p.Asp120His (NM_001346599.2); c.-428G>C (NM_001346600.2); c.-331G>C (NM_001346601.2); c.-27-3069G>C (NM_001346603.2); short protein forms D198H, D120H.
Identifiers: ClinVar variation 1750557 (VCV001750557.3), dbSNP rs1586234514, ClinGen allele CA368805430.

ClinVar aggregate classification (germline): Uncertain significance (1 of 4 stars; one submission).

Submission:

Ambry Genetics
Classification: Uncertain significance. Last evaluated: 2025-09-16. Review status: criteria provided, single submitter. Criteria: Ambry Variant Classification Scheme 2023. Collection method: clinical testing. Allele origin: germline.
Comment: The p.D198H variant (also known as c.592G>C), located in coding exon 5 of the RINT1 gene, results from a G to C substitution at nucleotide position 592. The aspartic acid at codon 198 is replaced by histidine, an amino acid with similar properties. This amino acid position is conserved. In addition, this alteration is predicted to be tolerated by in silico analysis. Since supporting evidence is limited at this time, the clinical significance of this alteration remains unclear.